The following is an entry in ClinVar:

NM_014264.5(PLK4):c.1193G>A (p.Arg398Gln)

Gene: PLK4 (polo like kinase 4; plus strand). Cytogenetic location: 4q28.1.
Variant type: single nucleotide variant.
Coding change: c.1193G>A on transcript NM_014264.5 (MANE Select); coding-DNA position 1193, G replaced by A.
Protein change: p.Arg398Gln; replaces arginine 398 with glutamine.
Molecular consequence: missense variant.
Genome position (GRCh38, 1-based): chr4:127,886,563, G>A. VCF-style: chr4-127886563-G-A. GRCh37 (hg19) VCF-style: chr4-128807718-G-A.
Other names: c.1097G>A, p.Arg366Gln (NM_001190799.2); c.1070G>A, p.Arg357Gln (NM_001190801.2); short protein forms R357Q, R366Q, R398Q.
Identifiers: ClinVar variation 960192 (VCV000960192.4), dbSNP rs866551932, ClinGen allele CA105637126.
Genomic context (GRCh38, chr4:127,886,563, plus strand): 5'-CCTCTGATAGATCTGGCACTTCTAATAGTCAGTCTCAAGCAAAAACATATACAATGGAAC[G>A]ATGTCACTCAGCAGAAATGCTTTCAGTGTCCAAAAGATCAGGAGGAGGTGAAAATGAAGA-3'
Protein context (NP_055079.3, residues 388-408): QSQAKTYTME[Arg398Gln]CHSAEMLSVS

ClinVar aggregate classification (germline): Uncertain significance (1 of 4 stars; one submission).

Allele frequency attached by ClinVar (database versions not stated): gnomAD exomes below 0.00001; TOPMed 0.00001.
gnomAD v4.1: 7 of 1,614,056 alleles (0.00043%); highest among the groups gnomAD compares: East Asian, 0.0022%; no homozygotes.

Submission:

Labcorp Genetics (formerly Invitae), Labcorp
Classification: Uncertain significance. Last evaluated: 2022-02-04. Review status: criteria provided, single submitter. Criteria: Invitae Variant Classification Sherloc (09022015). Collection method: clinical testing. Allele origin: germline.
Comment: In summary, the available evidence is currently insufficient to determine the role of this variant in disease. Therefore, it has been classified as a Variant of Uncertain Significance. Algorithms developed to predict the effect of missense changes on protein structure and function are either unavailable or do not agree on the potential impact of this missense change (SIFT: "Deleterious"; PolyPhen-2: "Probably Damaging"; Align-GVGD: "Class C0"). ClinVar contains an entry for this variant (Variation ID: 960192). This variant has not been reported in the literature in individuals affected with PLK4-related conditions. The frequency data for this variant in the population databases is considered unreliable, as metrics indicate poor data quality at this position in the gnomAD database. This sequence change replaces arginine, which is basic and polar, with glutamine, which is neutral and polar, at codon 398 of the PLK4 protein (p.Arg398Gln).